The following is an entry in ClinVar:

NM_001267550.2(TTN):c.78095_78098del (p.Arg26032fs)

Genes: TTN (titin; minus strand), TTN-AS1 (TTN antisense RNA 1; plus strand). Cytogenetic location: 2q31.2.
Variant type: Microsatellite.
Coding change: c.78095_78098del on transcript NM_001267550.2 (MANE Select); coding-DNA positions 78095 to 78098, 4 bases deleted (GAAA; older notation c.78095_78098delGAAA).
Protein change: p.Arg26032fs; shifts the reading frame from arginine 26032.
Molecular consequence: frameshift variant.
Genome position (GRCh38, 1-based): chr2:178,568,034-178,568,037, TTTC deleted on the plus strand (GAAA on the coding strand, the reverse complement: TTN is on the minus strand); deleting any 4 consecutive bases within chr2:178,568,034-178,568,044 gives the same sequence; the c. name uses the placement nearest the transcript's 3' end. VCF-style (leftmost placement, unchanged base first): chr2-178568033-GTTTC-G. GRCh37 (hg19) VCF-style: chr2-179432760-GTTTC-G.
Other names: c.51476_51479del, p.Arg17159fs (NM_133437.4); c.73172_73175del, p.Arg24391fs (NM_001256850.1); c.50900_50903del, p.Arg16967fs (NM_003319.4); c.70391_70394del, p.Arg23464fs (NM_133378.4); c.51275_51278del, p.Arg17092fs (NM_133432.3); c.78095_78098delGAAA (LRG_391t1); short protein forms R17092fs, R17159fs, R26032fs, R16967fs, R23464fs, R24391fs.
Identifiers: ClinVar variation 223384 (VCV000223384.7), dbSNP rs869312117, ClinGen allele CA353406.

ClinVar aggregate classification (germline): Pathogenic/Likely pathogenic. Review status: criteria provided, multiple submitters, no conflicts (2 of 4 stars). 2 submissions from 2 submitters: Pathogenic (1); Likely pathogenic (1). Last evaluated 2025-09-25.

Conditions:
Dilated cardiomyopathy 1G (CMD1G). Identifiers: Orphanet 154, MedGen C1858763, MONDO:0011400, OMIM 604145.
Autosomal recessive limb-girdle muscular dystrophy type 2J (LGMDR10). Also called: Limb-girdle muscular dystrophy, type 2J; MUSCULAR DYSTROPHY, LIMB-GIRDLE, AUTOSOMAL RECESSIVE 10. Identifiers: Orphanet 140922, MedGen C1837342, MONDO:0012127, OMIM 608807.
Primary dilated cardiomyopathy (DCM). Also called: Dilated Cardiomyopathy. Identifiers: Orphanet 217604, MedGen C0007193, MeSH D002311, MONDO:0005021, HP:0001644. Inheritance: Various modes of inheritance.

Submissions (2):

Labcorp Genetics (formerly Invitae), Labcorp
Classification: Pathogenic for Dilated cardiomyopathy 1G; Autosomal recessive limb-girdle muscular dystrophy type 2J. Last evaluated: 2025-09-25. Review status: criteria provided, single submitter. Criteria: Invitae Variant Classification Sherloc (09022015). Collection method: clinical testing. Allele origin: germline.
Comment: This sequence change creates a premature translational stop signal (p.Arg26032Thrfs*41) in the TTN gene. While this is not anticipated to result in nonsense mediated decay, it is expected to create a truncated TTN protein. This variant is not present in population databases (gnomAD no frequency). This premature translational stop signal has been observed in individuals with dilated cardiomyopathy (PMID: 29093449, 29961767). This variant is also known as p.R23464Tfs*41. ClinVar contains an entry for this variant (Variation ID: 223384). This variant is located in the A band of TTN (PMID: 25589632). Truncating variants in this region are significantly overrepresented in patients affected with dilated cardiomyopathy (PMID: 25589632). Truncating variants in this region have also been reported in individuals affected with autosomal recessive centronuclear myopathy (PMID: 23975875). For these reasons, this variant has been classified as Pathogenic.

Cardiovascular Biomedical Research Unit, Royal Brompton & Harefield NHS Foundation Trust
Classification: Likely pathogenic for Primary dilated cardiomyopathy. Last evaluated: 2014-10-08. Review status: criteria provided, single submitter. Criteria: Roberts et al. 2015. Collection method: research. Allele origin: germline. Inheritance: Autosomal dominant inheritance. Affected: yes. Observed: 1 variant allele. Study: Familial DCM.
Comment: In the seven cohorts assessed, TTNtv were found in 14% of ambulant DCM, 22% end-stage or familial DCM, and 2% controls. Heterozygous nonsense, frameshift and canonical splice-disrupting variants found in constitutive and other highly utilised exons are highly likely to be pathogenic when identified in individuals with phenotypically confirmed DCM. TTNtv found incidentally in healthy individuals (excluding familial assessment of DCM relatives) are thought to have low penetrance, particularly when identified in exons that are not constitutively expressed in the heart.

Literature cited by the submitters: PubMed 29093449 (cited by Labcorp Genetics (formerly Invitae), Labcorp); PubMed 29961767 (cited by Labcorp Genetics (formerly Invitae), Labcorp); PubMed 25589632 (cited by Labcorp Genetics (formerly Invitae), Labcorp); PubMed 23975875 (cited by Labcorp Genetics (formerly Invitae), Labcorp).